The following is an entry in ClinVar:

ClinVar aggregate classification (germline): Likely pathogenic (1 of 4 stars; one submission).

Conditions:
Congenital lactase deficiency. Also called: ALACTASIA, CONGENITAL; DISACCHARIDE INTOLERANCE II. Identifiers: Orphanet 53690, MedGen C0268179, MONDO:0009115, OMIM 223000.

Allele frequency attached by ClinVar (database versions not stated): gnomAD exomes below 0.00001; ExAC 0.00001.
gnomAD v4.1: 1 of 1,614,108 alleles (0.000062%); highest among the groups gnomAD compares: South Asian, 0.0011%; no homozygotes.

Submission:

Equipe Genetique des Anomalies du Developpement, Université de Bourgogne
Classification: Likely pathogenic for Congenital lactase deficiency. Last evaluated: 2020-09-14. Review status: criteria provided, single submitter. Criteria: ACMG Guidelines, 2015. Collection method: clinical testing. Allele origin: paternal. Inheritance: Autosomal recessive inheritance. Affected: yes.
Comment: This variant was observed in compound heterozygosity with variant LRG_338t1:c.4950C>A

Literature cited by the submitters: PubMed 30813293.

NM_002299.4(LCT):c.4363C>T (p.Arg1455Cys)

Gene: LCT (lactase; minus strand). Cytogenetic location: 2q21.3.
Variant type: single nucleotide variant.
Coding change: c.4363C>T on transcript NM_002299.4 (MANE Select); coding-DNA position 4363, C replaced by T.
Protein change: p.Arg1455Cys; replaces arginine 1455 with cysteine.
Molecular consequence: missense variant.
Genome position (GRCh38, 1-based): chr2:135,804,868, G>A on the plus strand (C>T on the coding strand, the complement: LCT is on the minus strand). VCF-style: chr2-135804868-G-A. GRCh37 (hg19) VCF-style: chr2-136562438-G-A.
Other names: short protein forms R1455C.
Identifiers: ClinVar variation 982558 (VCV000982558.2), dbSNP rs763006562, ClinGen allele CA1887870.
Genomic context (GRCh38, chr2:135,804,868, plus strand): 5'-TCACGTAGTAGTTCAGGCCCGCTTCATTGATGTACCTGGTGGTTCCATCAGGGAGGATGC[G>A]AGACCAGGAGATGGAAAAACGGTAGTGGGACACGCCCAGGTTCTGCAGGGTGACCAGATC-3'
Protein context (NP_002290.2, residues 1445-1465): SHYRFSISWS[Arg1455Cys]ILPDGTTRYI